The following is an entry in ClinVar:

ClinVar aggregate classification (germline): Uncertain significance. Review status: criteria provided, multiple submitters, no conflicts (2 of 4 stars). 2 submissions from 2 submitters: Uncertain significance (2). Last evaluated 2022-07-02.

Allele frequency attached by ClinVar (database versions not stated): gnomAD 0.00002 and 0.00003; gnomAD exomes 0.00002 and 0.00009; ExAC 0.00004; TOPMed 0.00006.
gnomAD v4.1: 28 of 1,614,046 alleles (0.0017%); highest among the groups gnomAD compares: Admixed American, 0.043%; no homozygotes.

Submissions (2):

Labcorp Genetics (formerly Invitae), Labcorp
Classification: Uncertain significance. Last evaluated: 2022-07-02. Review status: criteria provided, single submitter. Criteria: Invitae Variant Classification Sherloc (09022015). Collection method: clinical testing. Allele origin: germline.
Comment: This sequence change replaces tyrosine, which is neutral and polar, with cysteine, which is neutral and slightly polar, at codon 52 of the MME protein (p.Tyr52Cys). This variant is present in population databases (rs201694291, gnomAD 0.07%). This variant has not been reported in the literature in individuals affected with MME-related conditions. ClinVar contains an entry for this variant (Variation ID: 1358894). Algorithms developed to predict the effect of missense changes on protein structure and function are either unavailable or do not agree on the potential impact of this missense change (SIFT: "Tolerated"; PolyPhen-2: "Possibly Damaging"; Align-GVGD: "Class C0"). In summary, the available evidence is currently insufficient to determine the role of this variant in disease. Therefore, it has been classified as a Variant of Uncertain Significance.

AiLife Diagnostics
Classification: Uncertain significance. Last evaluated: 2021-06-09. Review status: criteria provided, single submitter. Criteria: ACMG Guidelines, 2015. Collection method: clinical testing. Allele origin: germline. Affected: yes. Observed: 1 variant allele.

NM_007289.4(MME):c.155A>G (p.Tyr52Cys)

Gene: MME (membrane metalloendopeptidase; plus strand). Cytogenetic location: 3q25.2.
Variant type: single nucleotide variant.
Coding change: c.155A>G on transcript NM_007289.4 (MANE Select); coding-DNA position 155, A replaced by G.
Protein change: p.Tyr52Cys; replaces tyrosine 52 with cysteine.
Molecular consequence: missense variant.
Genome position (GRCh38, 1-based): chr3:155,084,322, A>G. VCF-style: chr3-155084322-A-G. GRCh37 (hg19) VCF-style: chr3-154802111-A-G.
Other names: c.155A>G, p.Tyr52Cys (NM_000902.5, NM_001354642.2, NM_001354643.1 and 3 more transcripts); short protein forms Y52C.
Identifiers: ClinVar variation 1358894 (VCV001358894.4), dbSNP rs201694291, ClinGen allele CA2675019.